The following is an entry in ClinVar:

NM_002230.4(JUP):c.1914C>G (p.Asn638Lys)

Gene: JUP (junction plakoglobin; minus strand). Cytogenetic location: 17q21.2.
Variant type: single nucleotide variant.
Coding change: c.1914C>G on transcript NM_002230.4 (MANE Select); coding-DNA position 1914, C replaced by G.
Protein change: p.Asn638Lys; replaces asparagine 638 with lysine.
Molecular consequence: missense variant.
Genome position (GRCh38, 1-based): chr17:41,757,644, G>C on the plus strand (C>G on the coding strand, the complement: JUP is on the minus strand). VCF-style: chr17-41757644-G-C. GRCh37 (hg19) VCF-style: chr17-39913896-G-C.
Other names: c.1914C>G, p.Asn638Lys (NM_001352773.2, NM_001352774.2, NM_001352775.2 and 3 more transcripts); short protein forms N638K.
Identifiers: ClinVar variation 2059516 (VCV002059516.4), dbSNP rs368772249, ClinGen allele CA399492111.
Genomic context (GRCh38, chr17:41,757,644, plus strand): 5'-CATCGTGGCTGGGGGAGTGGGACCCAGCCTCCTGCCCTCCCCCAGCTCACCAGTGCCCTC[G>C]TTGCGGGAGTGCAGCAACTCCATGAGTGGGGCCGAGGCCCCCTCTGCATCAATGGCGTCG-3'
Protein context (NP_002221.1, residues 628-648): APLMELLHSR[Asn638Lys]EGTATYAAAV

ClinVar aggregate classification (germline): Uncertain significance (1 of 4 stars; one submission).

Conditions:
Naxos disease (NXD). Also called: KERATOSIS PALMOPLANTARIS WITH ARRHYTHMOGENIC CARDIOMYOPATHY; MAL DE NAXOS; PALMOPLANTAR KERATODERMA WITH ARRHYTHMOGENIC RIGHT VENTRICULAR CARDIOMYOPATHY AND WOOLLY HAIR; WOOLLY HAIR, PALMOPLANTAR KERATODERMA, AND CARDIAC ABNORMALITIES; CARDIOMYOPATHY, ARRHYTHMOGENIC RIGHT VENTRICULAR, WITH SKIN, HAIR, AND NAIL ABNORMALITIES. Identifiers: Orphanet 34217, MedGen C1832600, MONDO:0011017, OMIM 601214.
Arrhythmogenic right ventricular dysplasia 12. Also called: ARRHYTHMOGENIC RIGHT VENTRICULAR DYSPLASIA, FAMILIAL, 12. Identifiers: MedGen C1969081, MONDO:0012684, OMIM 611528.

Submission:

Labcorp Genetics (formerly Invitae), Labcorp
Classification: Uncertain significance for Arrhythmogenic right ventricular dysplasia 12; Naxos disease. Last evaluated: 2022-03-18. Review status: criteria provided, single submitter. Criteria: Invitae Variant Classification Sherloc (09022015). Collection method: clinical testing. Allele origin: germline.
Comment: In summary, the available evidence is currently insufficient to determine the role of this variant in disease. Therefore, it has been classified as a Variant of Uncertain Significance. Algorithms developed to predict the effect of sequence changes on RNA splicing suggest that this variant may create or strengthen a splice site. Algorithms developed to predict the effect of missense changes on protein structure and function are either unavailable or do not agree on the potential impact of this missense change (SIFT: "Tolerated"; PolyPhen-2: "Probably Damaging"; Align-GVGD: "Class C0"). This variant has not been reported in the literature in individuals affected with JUP-related conditions. This variant is not present in population databases (gnomAD no frequency). This sequence change replaces asparagine, which is neutral and polar, with lysine, which is basic and polar, at codon 638 of the JUP protein (p.Asn638Lys).